The following is an entry in ClinVar:

ClinVar aggregate classification (germline): Pathogenic (0 of 4 stars; one submission).

Conditions:
Carcinoma of colon (CRC). Also called: Colonic carcinoma; Colon carcinoma. Identifiers: MedGen C0699790, MONDO:0002032.

Submission:

Department of Pathology and Laboratory Medicine, Sinai Health System
Classification: Pathogenic for Carcinoma of colon. Review status: no assertion criteria provided. Collection method: clinical testing. Allele origin: unknown. Affected: yes. Observed: 1 variant allele. Study: The Canadian Open Genetics Repository (COGR).
Comment: The APC p.Tyr1262X variant was not identified in the literature; nor was it identified in dbSNP, 1000 Genomes Project, NHLBI GO Exome Sequencing Project, Exome Aggregation Consortium database (March 14, 2016) Clinvitae database, COSMIC, Zhejiang Colon Cancer Database (LOVD), ClinVar database, GeneInsight - COGR database, and UMD. More over multiple nonsense variants 5â€šÃ„Ã´ of this variant reported both in the literature and public databases have been determined to be pathogenic. The p.Tyr1262X variant leads to a premature stop codon at position 1262, which is predicted to lead to a truncated or absent protein and loss of function. This alteration is then predicted to result in a truncated or absent protein and loss of function. Loss of function variants of the APC gene are an established mechanism of disease in familial adenomatous polyposis and is the type of variant expected to cause the disorder. In addition, two population studies identify a variant with different nucleotide change at the same residue leading to an identical amino acid change (c.3786T>A, p.Tyr1262X) and classify the variant as pathogenic (Friedl 2001, Stekrova 2007), these were also reported in the InSiGHT Colon Cancer Gene Variant Database (LOVD). In summary, based on the above information, this variant meets our laboratoryâ€šÃ„Ã´s criteria to be classified as pathogenic.

NM_000038.6(APC):c.4164_4165del (p.Ser1389fs)

Gene: APC (APC regulator of Wnt signaling pathway; plus strand). Cytogenetic location: 5q22.2.
Variant type: Deletion.
Coding change: c.4164_4165del on transcript NM_000038.6 (MANE Select); coding-DNA positions 4164 to 4165, 2 bases deleted (TT; older notation c.4164_4165delTT).
Protein change: p.Ser1389fs; shifts the reading frame from serine 1389.
Molecular consequence: frameshift variant.
Genome position (GRCh38, 1-based): chr5:112,839,758-112,839,759, TT deleted. VCF-style (leftmost placement, unchanged base first): chr5-112839757-CTT-C. GRCh37 (hg19) VCF-style: chr5-112175454-CTT-C.
Other names: c.4164_4165del, p.Ser1389fs (NM_001127510.3, NM_001354895.2); c.4110_4111del, p.Ser1371fs (NM_001127511.3); c.4218_4219del, p.Ser1407fs (NM_001354896.2); c.4194_4195del, p.Ser1399fs (NM_001354897.2); c.4089_4090del, p.Ser1364fs (NM_001354898.2); c.4080_4081del, p.Ser1361fs (NM_001354899.2); c.4041_4042del, p.Ser1348fs (NM_001354900.2); c.3987_3988del, p.Ser1330fs (NM_001354901.2); and 5 more; short protein forms S1106fs, S1229fs, S1263fs, S1288fs, S1298fs, S1330fs, S1348fs, S1361fs.
Identifiers: ClinVar variation 1050614 (VCV001050614.1), dbSNP rs2149908008, ClinGen allele CA2499217484.